The following is an entry in ClinVar:

NM_001089.3(ABCA3):c.2308C>A (p.Pro770Thr)

Gene: ABCA3 (ATP binding cassette subfamily A member 3; minus strand). Cytogenetic location: 16p13.3.
Variant type: single nucleotide variant.
Coding change: c.2308C>A on transcript NM_001089.3 (MANE Select); coding-DNA position 2308, C replaced by A.
Protein change: p.Pro770Thr; replaces proline 770 with threonine.
Molecular consequence: missense variant.
Genome position (GRCh38, 1-based): chr16:2,295,696, G>T on the plus strand (C>A on the coding strand, the complement: ABCA3 is on the minus strand). VCF-style: chr16-2295696-G-T. GRCh37 (hg19) VCF-style: chr16-2345697-G-T.
Other names: short protein forms P770T.
Identifiers: ClinVar variation 5004409 (VCV005004409.1).

ClinVar aggregate classification (germline): Uncertain significance (1 of 4 stars; one submission).

Conditions:
Interstitial lung disease due to ABCA3 deficiency. Also called: PULMONARY ALVEOLAR PROTEINOSIS, CONGENITAL, 3. Identifiers: Orphanet 440402, MedGen C1970456, MONDO:0012582, OMIM 610921.

Submission:

Myriad Genetics, Inc.
Classification: Uncertain significance for Interstitial lung disease due to ABCA3 deficiency. Last evaluated: 2026-01-22. Review status: criteria provided, single submitter. Criteria: Myriad Autosomal Dominant, Autosomal Recessive and X-Linked Classification Criteria (2023). Collection method: clinical testing. Allele origin: unknown.
Comment: NM_001089.2(ABCA3):c.2308C>A(P770T) is a missense variant classified as a variant of uncertain significance in the context of surfactant deficiency, ABCA3-related. P770T has not been observed in cases with relevant disease. Relevant functional assessments of this variant are not available in the literature. P770T has not been observed in referenced population frequency databases. In summary, there is insufficient evidence to classify NM_001089.2(ABCA3):c.2308C>A(P770T) as pathogenic or benign. Please note: this variant was assessed in the context of healthy population screening.